The following is an entry in ClinVar:

NM_001042492.3(NF1):c.6930_6934dup (p.His2312fs)

Gene: NF1 (neurofibromin 1; plus strand). Cytogenetic location: 17q11.2.
Variant type: Duplication.
Coding change: c.6930_6934dup on transcript NM_001042492.3 (MANE Select); coding-DNA positions 6930 to 6934, 5 bases duplicated (TCTGC; older notation c.6930_6934dupTCTGC).
Protein change: p.His2312fs; shifts the reading frame from histidine 2312.
Molecular consequence: frameshift variant.
Genome position (GRCh38, 1-based): chr17:31,340,513-31,340,517, TCTGC duplicated; duplicating any 5 consecutive bases within chr17:31,340,512-31,340,517 gives the same sequence; the c. name uses the placement nearest the transcript's 3' end. VCF-style (leftmost placement, unchanged base first): chr17-31340511-C-CCTCTG. GRCh37 (hg19) VCF-style: chr17-29667529-C-CCTCTG.
Other names: c.6867_6871dup, p.His2291Leufs (NM_000267.4); short protein forms H2291fs, H2312fs.
Identifiers: ClinVar variation 1431985 (VCV001431985.6), dbSNP rs2151561465, ClinGen allele CA2573153888.
Genomic context (GRCh38, chr17:31,340,511, plus strand): 5'-AAGAGACTATGTCATGATTCATCTTACTAGCCTCAAACATATCTTCTTTGCCAGGACTCG[C>CCTCTG]CTCTGCACAAAGCCCTCTTTTGGGTAGCTGTGGCTGTGCTGCAGCTTGATGAGGTCAACT-3'

ClinVar aggregate classification (germline): Pathogenic (1 of 4 stars; one submission).

Conditions:
Neurofibromatosis, type 1 (NF1). Also called: Peripheral type neurofibromatosis; VON RECKLINGHAUSEN DISEASE; NEUROFIBROMATOSIS, TYPE I, SOMATIC; Neurofibromatosis, type I. Identifiers: Orphanet 636, MedGen C0027831, MONDO:0018975, OMIM 162200. Disease mechanism: loss of function.

Submission:

Labcorp Genetics (formerly Invitae), Labcorp
Classification: Pathogenic for Neurofibromatosis, type 1. Last evaluated: 2021-10-31. Review status: criteria provided, single submitter. Criteria: Invitae Variant Classification Sherloc (09022015). Collection method: clinical testing. Allele origin: germline.
Comment: This sequence change creates a premature translational stop signal (p.His2291Leufs*9) in the NF1 gene. It is expected to result in an absent or disrupted protein product. Loss-of-function variants in NF1 are known to be pathogenic (PMID: 10712197, 23913538). For these reasons, this variant has been classified as Pathogenic. This variant has not been reported in the literature in individuals affected with NF1-related conditions. This variant is not present in population databases (gnomAD no frequency).

Literature cited by the submitters: PubMed 10712197; PubMed 23913538.